The following is an entry in ClinVar:

ClinVar aggregate classification (germline): Uncertain significance (1 of 4 stars; one submission).

Conditions:
Neurofibromatosis, type 1 (NF1). Also called: VON RECKLINGHAUSEN DISEASE; Neurofibromatosis, type I; NEUROFIBROMATOSIS, TYPE I, SOMATIC; Peripheral type neurofibromatosis. Identifiers: Orphanet 636, MedGen C0027831, MONDO:0018975, OMIM 162200. Disease mechanism: loss of function.

gnomAD v4.1: 1 of 1,611,826 alleles (0.000062%); highest among the groups gnomAD compares: Non-Finnish European, 0.000085%; no homozygotes.

Submission:

Labcorp Genetics (formerly Invitae), Labcorp
Classification: Uncertain significance for Neurofibromatosis, type 1. Last evaluated: 2025-03-19. Review status: criteria provided, single submitter. Criteria: Invitae Variant Classification Sherloc (09022015). Collection method: clinical testing. Allele origin: germline.
Comment: This sequence change replaces isoleucine, which is neutral and non-polar, with methionine, which is neutral and non-polar, at codon 965 of the NF1 protein (p.Ile965Met). This variant is not present in population databases (gnomAD no frequency). This variant has not been reported in the literature in individuals affected with NF1-related conditions. Invitae Evidence Modeling of protein sequence and biophysical properties (such as structural, functional, and spatial information, amino acid conservation, physicochemical variation, residue mobility, and thermodynamic stability) indicates that this missense variant is expected to disrupt NF1 protein function with a positive predictive value of 95%. This variant disrupts the p.Ile965 amino acid residue in NF1. Other variant(s) that disrupt this residue have been determined to be pathogenic (PMID: 22159552; internal data). This suggests that this residue is clinically significant, and that variants that disrupt this residue are likely to be disease-causing. In summary, the available evidence is currently insufficient to determine the role of this variant in disease. Therefore, it has been classified as a Variant of Uncertain Significance.

Literature cited by the submitters: PubMed 22159552.

NM_001042492.3(NF1):c.2895A>G (p.Ile965Met)

Gene: NF1 (neurofibromin 1; plus strand). Cytogenetic location: 17q11.2.
Variant type: single nucleotide variant.
Coding change: c.2895A>G on transcript NM_001042492.3 (MANE Select); coding-DNA position 2895, A replaced by G.
Protein change: p.Ile965Met; replaces isoleucine 965 with methionine.
Molecular consequence: missense variant.
Genome position (GRCh38, 1-based): chr17:31,229,879, A>G. VCF-style: chr17-31229879-A-G. GRCh37 (hg19) VCF-style: chr17-29556897-A-G.
Other names: c.2895A>G, p.Ile965Met (NM_000267.4); short protein forms I965M.
Identifiers: ClinVar variation 4802499 (VCV004802499.1).